The following is an entry in ClinVar:

ClinVar aggregate classification (germline): Uncertain significance. Review status: criteria provided, multiple submitters, no conflicts (2 of 4 stars). 2 submissions from 2 submitters: Uncertain significance (2). Last evaluated 2025-12-23.

Conditions:
ADCY3-related disorder. Also called: ADCY3-related condition.

gnomAD v4.1: 6 of 1,595,074 alleles (0.00038%); highest among the groups gnomAD compares: Non-Finnish European, 0.00051%; no homozygotes.

Submissions (2):

PreventionGenetics, part of Exact Sciences
Classification: Uncertain significance for ADCY3-related condition. Last evaluated: 2025-12-23. Review status: criteria provided, single submitter. Criteria: ACMG Guidelines, 2015. Collection method: clinical testing. Allele origin: germline.
Comment: The ADCY3 c.25G>A variant is predicted to result in the amino acid substitution p.Glu9Lys. To our knowledge, this variant has not been reported in the literature or in a large population database, indicating this variant is rare. At this time, the clinical significance of this variant is uncertain due to the absence of conclusive functional and genetic evidence.

Labcorp Genetics (formerly Invitae), Labcorp
Classification: Uncertain significance. Last evaluated: 2025-10-19. Review status: criteria provided, single submitter. Criteria: Invitae Variant Classification Sherloc (09022015). Collection method: clinical testing. Allele origin: germline.
Comment: This sequence change replaces glutamic acid, which is acidic and polar, with lysine, which is basic and polar, at codon 9 of the ADCY3 protein (p.Glu9Lys). This variant is not present in population databases (gnomAD no frequency). This variant has not been reported in the literature in individuals affected with ADCY3-related conditions. ClinVar contains an entry for this variant (Variation ID: 3348533). An algorithm developed to predict the effect of missense changes on protein structure and function (PolyPhen-2) suggests that this variant is likely to be tolerated. In summary, the available evidence is currently insufficient to determine the role of this variant in disease. Therefore, it has been classified as a Variant of Uncertain Significance.

NM_004036.5(ADCY3):c.25G>A (p.Glu9Lys)

Gene: ADCY3 (adenylate cyclase 3; minus strand). Cytogenetic location: 2p23.3.
Variant type: single nucleotide variant.
Coding change: c.25G>A on transcript NM_004036.5 (MANE Select); coding-DNA position 25, G replaced by A.
Protein change: p.Glu9Lys; replaces glutamic acid 9 with lysine.
Molecular consequence: missense variant.
Genome position (GRCh38, 1-based): chr2:24,918,963, C>T on the plus strand (G>A on the coding strand, the complement: ADCY3 is on the minus strand). VCF-style: chr2-24918963-C-T. GRCh37 (hg19) VCF-style: chr2-25141832-C-T.
Other names: c.25G>A, p.Glu9Lys (NM_001320613.2, NM_001377128.1, NM_001377129.1 and 2 more transcripts); short protein forms E9K.
Identifiers: ClinVar variation 3348533 (VCV003348533.3).
Genomic context (GRCh38, chr2:24,918,963, plus strand): 5'-CAGGGTCGGAGGGCAGGCTGACGGAGTACTCGGCTGAGTACTCGGCCGAGTATTCGGGCT[C>T]GGAGAAGCCCTGGTTCCTCGGCATACTGGCTGGTGTCTGCTACTGGCCCTAGAGAAGTGG-3'
Protein context (NP_004027.2, residues 1-19): MPRNQGFS[Glu9Lys]PEYSAEYSAE